The following is an entry in ClinVar:

ClinVar aggregate classification (germline): Benign/Likely benign. Review status: criteria provided, multiple submitters, no conflicts (2 of 4 stars). 7 submissions from 7 submitters: Benign (4); Likely benign (1). 2 of the submissions do not count toward it. Last evaluated 2026-01-14.

Conditions:
TRPM6-related disorder. Also called: TRPM6-related condition.
Intestinal hypomagnesemia 1. Also called: HYPOMAGNESEMIA, INTESTINAL, WITH SECONDARY HYPOCALCEMIA; HYPOMAGNESEMIC TETANY. Identifiers: Orphanet 30924, MedGen C1865974, MONDO:0011176, OMIM 602014.

Allele frequency attached by ClinVar (database versions not stated): TOPMed 0.00038; ESP Exome Variant Server 0.00046; gnomAD exomes 0.00093; 1000 Genomes Project 30x 0.00219; 1000 Genomes Project 0.00260.
gnomAD v4.1: 1,501 of 1,614,178 alleles (0.093%); highest among the groups gnomAD compares: South Asian, 1.2%; 28 homozygotes.

Submissions (7):

Labcorp Genetics (formerly Invitae), Labcorp
Classification: Benign. Last evaluated: 2026-01-14. Review status: criteria provided, single submitter. Criteria: Invitae Variant Classification Sherloc (09022015). Collection method: clinical testing. Allele origin: germline.

PreventionGenetics, part of Exact Sciences
Classification: Likely benign for TRPM6-related condition. Last evaluated: 2025-02-28. Review status: criteria provided, single submitter. Criteria: ACMG Guidelines, 2015. Collection method: clinical testing. Allele origin: germline.
Comment: This variant is classified as likely benign based on ACMG/AMP sequence variant interpretation guidelines (Richards et al. 2015 PMID: 25741868, with internal and published modifications).

Mayo Clinic Laboratories, Mayo Clinic
Classification: Benign. Last evaluated: 2023-09-05. Review status: criteria provided, single submitter. Criteria: ACMG Guidelines, 2015. Collection method: clinical testing. Allele origin: germline. Observed: 3 variant alleles.
Comment: BS1, BS2, BP4, BP7

Illumina Laboratory Services, Illumina
Classification: Benign for Intestinal hypomagnesemia 1. Last evaluated: 2018-01-13. Review status: criteria provided, single submitter. Criteria: ICSL Variant Classification Criteria 13 December 2019. Collection method: clinical testing. Allele origin: germline.
Comment: This variant was observed in the ICSL laboratory as part of a predisposition screen in an ostensibly healthy population. It had not been previously curated by ICSL or reported in the Human Gene Mutation Database (HGMD: prior to June 1st, 2018), and was therefore a candidate for classification through an automated scoring system. Utilizing variant allele frequency, disease prevalence and penetrance estimates, and inheritance mode, an automated score was calculated to assess if this variant is too frequent to cause the disease. Based on the score and internal cut-off values, a variant classified as benign is not then subjected to further curation. The score for this variant resulted in a classification of benign for this disease.

Breakthrough Genomics
Classification: Benign. Review status: criteria provided, single submitter. Criteria: ACMG Guidelines, 2015. Collection method: not provided. Allele origin: germline. Inheritance: Autosomal recessive inheritance. Affected: yes.

Genome Diagnostics Laboratory, University Medical Center Utrecht
Classification: Benign. Review status: no assertion criteria provided. Collection method: clinical testing. Allele origin: germline. Affected: yes. Study: VKGL Data-share Consensus. Not counted in ClinVar's aggregate classification.

Joint Genome Diagnostic Labs from Nijmegen and Maastricht, Radboudumc and MUMC+
Classification: Benign. Review status: no assertion criteria provided. Collection method: clinical testing. Allele origin: germline. Affected: yes. Study: VKGL Data-share Consensus. Not counted in ClinVar's aggregate classification.

NM_017662.5(TRPM6):c.6033G>A (p.Thr2011=)

Gene: TRPM6 (transient receptor potential cation channel subfamily M member 6; minus strand). Cytogenetic location: 9q21.13.
Variant type: single nucleotide variant.
Coding change: c.6033G>A on transcript NM_017662.5 (MANE Select); coding-DNA position 6033, G replaced by A.
Protein change: p.Thr2011=; no amino-acid change (threonine 2011 retained).
Molecular consequence: synonymous variant.
Genome position (GRCh38, 1-based): chr9:74,724,649, C>T on the plus strand (G>A on the coding strand, the complement: TRPM6 is on the minus strand). VCF-style: chr9-74724649-C-T. GRCh37 (hg19) VCF-style: chr9-77339565-C-T.
Other names: p.Thr2011=; c.6018G>A, p.Thr2006= (NM_001177310.2, NM_001177311.2).
Identifiers: ClinVar variation 367295 (VCV000367295.19), dbSNP rs139342869, ClinGen allele CA5083616.